The following is an entry in ClinVar:

NM_021076.4(NEFH):c.956C>G (p.Thr319Ser)

Gene: NEFH (neurofilament heavy chain; plus strand). Cytogenetic location: 22q12.2.
Variant type: single nucleotide variant.
Coding change: c.956C>G on transcript NM_021076.4 (MANE Select); coding-DNA position 956, C replaced by G.
Protein change: p.Thr319Ser; replaces threonine 319 with serine.
Molecular consequence: missense variant.
Genome position (GRCh38, 1-based): chr22:29,483,447, C>G. VCF-style: chr22-29483447-C-G. GRCh37 (hg19) VCF-style: chr22-29879436-C-G.
Other names: short protein forms T319S.
Identifiers: ClinVar variation 1702710 (VCV001702710.5), dbSNP rs2146394289, ClinGen allele CA411125127.
Genomic context (GRCh38, chr22:29,483,447, plus strand): 5'-GACTGTCGGAGGCAGCCAAGGTGAACACAGACGCTATGCGCTCAGCGCAGGAGGAGATAA[C>G]TGAGTACCGGCGTCAGCTGCAGGCCAGGACCACAGAGCTGGAGGCACTGAAAAGCACCAA-3'
Protein context (NP_066554.2, residues 309-329): DAMRSAQEEI[Thr319Ser]EYRRQLQART

ClinVar aggregate classification (germline): Uncertain significance. Review status: criteria provided, multiple submitters, no conflicts (2 of 4 stars). 2 submissions from 2 submitters: Uncertain significance (2). Last evaluated 2023-03-31.

gnomAD v4.1: 3 of 1,614,042 alleles (0.00019%); highest among the groups gnomAD compares: Non-Finnish European, 0.00025%; no homozygotes.

Submissions (2):

Labcorp Genetics (formerly Invitae), Labcorp
Classification: Uncertain significance. Last evaluated: 2023-03-31. Review status: criteria provided, single submitter. Criteria: Invitae Variant Classification Sherloc (09022015). Collection method: clinical testing. Allele origin: germline.
Comment: In summary, the available evidence is currently insufficient to determine the role of this variant in disease. Therefore, it has been classified as a Variant of Uncertain Significance. This variant has not been reported in the literature in individuals affected with NEFH-related conditions. ClinVar contains an entry for this variant (Variation ID: 1702710). Advanced modeling of protein sequence and biophysical properties (such as structural, functional, and spatial information, amino acid conservation, physicochemical variation, residue mobility, and thermodynamic stability) performed at Invitae indicates that this missense variant is not expected to disrupt NEFH protein function. This sequence change replaces threonine, which is neutral and polar, with serine, which is neutral and polar, at codon 319 of the NEFH protein (p.Thr319Ser). This variant is not present in population databases (gnomAD no frequency).

GeneDx
Classification: Uncertain significance. Last evaluated: 2022-02-18. Review status: criteria provided, single submitter. Criteria: GeneDx Variant Classification Process June 2021. Collection method: clinical testing. Allele origin: germline. Affected: yes.
Comment: Not observed at significant frequency in large population cohorts (gnomAD); In silico analysis supports that this missense variant does not alter protein structure/function; Has not been previously published as pathogenic or benign to our knowledge